The following is an entry in ClinVar:

NM_020297.4(ABCC9):c.1127C>T (p.Thr376Ile)

Gene: ABCC9 (ATP binding cassette subfamily C member 9; minus strand). Cytogenetic location: 12p12.1.
Variant type: single nucleotide variant.
Coding change: c.1127C>T on transcript NM_020297.4 (MANE Select); coding-DNA position 1127, C replaced by T.
Protein change: p.Thr376Ile; replaces threonine 376 with isoleucine.
Molecular consequence: missense variant.
Genome position (GRCh38, 1-based): chr12:21,910,863, G>A on the plus strand (C>T on the coding strand, the complement: ABCC9 is on the minus strand). VCF-style: chr12-21910863-G-A. GRCh37 (hg19) VCF-style: chr12-22063797-G-A.
Other names: c.1127C>T, p.Thr376Ile (NM_001377273.1, NM_005691.4); c.263C>T, p.Thr88Ile (NM_001377274.1); short protein forms T376I, T88I.
Identifiers: ClinVar variation 410826 (VCV000410826.8), dbSNP rs372244832, ClinGen allele CA6481731.

ClinVar aggregate classification (germline): Uncertain significance (1 of 4 stars; one submission).

Conditions:
Dilated cardiomyopathy 1O (CMD1O). Also called: CARDIOMYOPATHY, DILATED, WITH VENTRICULAR TACHYCARDIA. Identifiers: Orphanet 154, MedGen C1837839, MONDO:0012062, OMIM 608569.

Allele frequency attached by ClinVar (database versions not stated): gnomAD exomes below 0.00001; ExAC 0.00001; TOPMed 0.00002; ESP Exome Variant Server 0.00008.
gnomAD v4.1: 2 of 1,612,456 alleles (0.00012%); highest among the groups gnomAD compares: Admixed American, 0.0017%; no homozygotes.

Submission:

Labcorp Genetics (formerly Invitae), Labcorp
Classification: Uncertain significance for Dilated cardiomyopathy 1O. Last evaluated: 2024-04-24. Review status: criteria provided, single submitter. Criteria: Invitae Variant Classification Sherloc (09022015). Collection method: clinical testing. Allele origin: germline.
Comment: This sequence change replaces threonine, which is neutral and polar, with isoleucine, which is neutral and non-polar, at codon 376 of the ABCC9 protein (p.Thr376Ile). This variant is present in population databases (rs372244832, gnomAD 0.0009%). This variant has not been reported in the literature in individuals affected with ABCC9-related conditions. ClinVar contains an entry for this variant (Variation ID: 410826). Advanced modeling of protein sequence and biophysical properties (such as structural, functional, and spatial information, amino acid conservation, physicochemical variation, residue mobility, and thermodynamic stability) performed at Invitae indicates that this missense variant is not expected to disrupt ABCC9 protein function with a negative predictive value of 95%. In summary, the available evidence is currently insufficient to determine the role of this variant in disease. Therefore, it has been classified as a Variant of Uncertain Significance.